The following is an entry in ClinVar:

ClinVar aggregate classification (germline): Uncertain significance (1 of 4 stars; one submission).

Submission:

Labcorp Genetics (formerly Invitae), Labcorp
Classification: Uncertain significance. Last evaluated: 2022-08-20. Review status: criteria provided, single submitter. Criteria: Invitae Variant Classification Sherloc (09022015). Collection method: clinical testing. Allele origin: germline.
Comment: Algorithms developed to predict the effect of missense changes on protein structure and function output the following: SIFT: "Tolerated"; PolyPhen-2: "Benign"; Align-GVGD: "Class C0". The valine amino acid residue is found in multiple mammalian species, which suggests that this missense change does not adversely affect protein function. This variant has not been reported in the literature in individuals affected with ADAMTS10-related conditions. This variant is not present in population databases (gnomAD no frequency). This sequence change replaces alanine, which is neutral and non-polar, with valine, which is neutral and non-polar, at codon 52 of the ADAMTS10 protein (p.Ala52Val). In summary, the available evidence is currently insufficient to determine the role of this variant in disease. Therefore, it has been classified as a Variant of Uncertain Significance.

NM_030957.4(ADAMTS10):c.155C>T (p.Ala52Val)

Gene: ADAMTS10 (ADAM metallopeptidase with thrombospondin type 1 motif 10; minus strand). Cytogenetic location: 19p13.2.
Variant type: single nucleotide variant.
Coding change: c.155C>T on transcript NM_030957.4 (MANE Select); coding-DNA position 155, C replaced by T.
Protein change: p.Ala52Val; replaces alanine 52 with valine.
Molecular consequence: missense variant.
Genome position (GRCh38, 1-based): chr19:8,605,292, G>A on the plus strand (C>T on the coding strand, the complement: ADAMTS10 is on the minus strand). VCF-style: chr19-8605292-G-A. GRCh37 (hg19) VCF-style: chr19-8670177-G-A.
Other names: short protein forms A52V.
Identifiers: ClinVar variation 1717162 (VCV001717162.5), dbSNP rs2512654536, ClinGen allele CA403757827.